The following is an entry in ClinVar:

ClinVar aggregate classification (germline): Uncertain significance (1 of 4 stars; one submission).

Submission:

Labcorp Genetics (formerly Invitae), Labcorp
Classification: Uncertain significance. Last evaluated: 2022-06-21. Review status: criteria provided, single submitter. Criteria: Invitae Variant Classification Sherloc (09022015). Collection method: clinical testing. Allele origin: germline.
Comment: Algorithms developed to predict the effect of missense changes on protein structure and function are either unavailable or do not agree on the potential impact of this missense change (SIFT: "Not Available"; PolyPhen-2: "Benign"; Align-GVGD: "Not Available"). This sequence change replaces phenylalanine, which is neutral and non-polar, with leucine, which is neutral and non-polar, at codon 137 of the UNC119 protein (p.Phe137Leu). This variant is not present in population databases (gnomAD no frequency). This variant has not been reported in the literature in individuals affected with UNC119-related conditions. In summary, the available evidence is currently insufficient to determine the role of this variant in disease. Therefore, it has been classified as a Variant of Uncertain Significance.

NM_005148.4(UNC119):c.409T>C (p.Phe137Leu)

Gene: UNC119 (unc-119 lipid binding chaperone; minus strand). Cytogenetic location: 17q11.2.
Variant type: single nucleotide variant.
Coding change: c.409T>C on transcript NM_005148.4 (MANE Select); coding-DNA position 409, T replaced by C.
Protein change: p.Phe137Leu; replaces phenylalanine 137 with leucine.
Molecular consequence: missense variant.
Genome position (GRCh38, 1-based): chr17:28,548,027, A>G on the plus strand (T>C on the coding strand, the complement: UNC119 is on the minus strand). VCF-style: chr17-28548027-A-G. GRCh37 (hg19) VCF-style: chr17-26875045-A-G.
Other names: c.124T>C, p.Phe42Leu (NM_001330166.2); c.409T>C, p.Phe137Leu (NM_054035.2); short protein forms F137L, F42L.
Identifiers: ClinVar variation 1349549 (VCV001349549.8), dbSNP rs2151507597, ClinGen allele CA398331219.